The following is an entry in ClinVar:

NM_000170.3(GLDC):c.1951C>G (p.His651Asp)

Gene: GLDC (glycine decarboxylase; minus strand). Cytogenetic location: 9p24.1.
Variant type: single nucleotide variant.
Coding change: c.1951C>G on transcript NM_000170.3 (MANE Select); coding-DNA position 1951, C replaced by G.
Protein change: p.His651Asp; replaces histidine 651 with aspartic acid.
Molecular consequence: missense variant.
Genome position (GRCh38, 1-based): chr9:6,558,660, G>C on the plus strand (C>G on the coding strand, the complement: GLDC is on the minus strand). VCF-style: chr9-6558660-G-C. GRCh37 (hg19) VCF-style: chr9-6558660-G-C.
Other names: short protein forms H651D.
Identifiers: ClinVar variation 1385319 (VCV001385319.8), dbSNP rs2129735272, ClinGen allele CA372882117.

ClinVar aggregate classification (germline): Likely pathogenic (1 of 4 stars; one submission).

Conditions:
Glycine encephalopathy. Also called: Nonketotic hyperglycinemia; Non-ketotic hyperglycinemia. Identifiers: Orphanet 407, MedGen C0751748, MONDO:0011612, HP:0008288.

Submission:

Labcorp Genetics (formerly Invitae), Labcorp
Classification: Likely pathogenic for Glycine encephalopathy. Last evaluated: 2024-02-27. Review status: criteria provided, single submitter. Criteria: Invitae Variant Classification Sherloc (09022015). Collection method: clinical testing. Allele origin: germline.
Comment: This sequence change replaces histidine, which is basic and polar, with aspartic acid, which is acidic and polar, at codon 651 of the GLDC protein (p.His651Asp). This variant is not present in population databases (gnomAD no frequency). This missense change has been observed in individual(s) with clinical features consistent with glycine encephalopathy (Invitae). ClinVar contains an entry for this variant (Variation ID: 1385319). Advanced modeling of protein sequence and biophysical properties (such as structural, functional, and spatial information, amino acid conservation, physicochemical variation, residue mobility, and thermodynamic stability) performed at Invitae indicates that this missense variant is expected to disrupt GLDC protein function with a positive predictive value of 80%. This variant disrupts the p.His651 amino acid residue in GLDC. Other variant(s) that disrupt this residue have been determined to be pathogenic (PMID: 16601880, 27362913). This suggests that this residue is clinically significant, and that variants that disrupt this residue are likely to be disease-causing. In summary, the currently available evidence indicates that the variant is pathogenic, but additional data are needed to prove that conclusively. Therefore, this variant has been classified as Likely Pathogenic.

Literature cited by the submitters: PubMed 16601880; PubMed 27362913.